The following is an entry in ClinVar:

ClinVar aggregate classification (germline): Likely pathogenic. Review status: criteria provided, multiple submitters, no conflicts (2 of 4 stars). 2 submissions from 2 submitters: Likely pathogenic (2). Last evaluated 2025-02-21.

Conditions:
Focal segmental glomerulosclerosis 5 (FSGS5). Identifiers: Orphanet 656, MedGen C2750475, MONDO:0013191, OMIM 613237.
Charcot-Marie-Tooth disease dominant intermediate E. Also called: CHARCOT-MARIE-TOOTH NEUROPATHY WITH FOCAL SEGMENTAL GLOMERULONEPHRITIS. Identifiers: Orphanet 93114, MedGen C4302667, MONDO:0013758, OMIM 614455.

Submissions (2):

Dasa
Classification: Likely pathogenic. Last evaluated: 2025-02-21. Review status: criteria provided, single submitter. Criteria: DASA Assertion Criteria. Collection method: clinical testing. Allele origin: germline.
Comment: NM_022489.4(INF2):c.470G>A (p.Gly157Asp) is a missense variant that results in the substitution of glycine with aspartic acid. This variant has been recurrently observed in individuals with INF2-related disorders (PMID: 31308072; PMID: 34120753). Also, this variant is absent from population databases. Computational evidence supports a deleterious effect. Based on the currently available evidence, this variant is classified as likely pathogenic.

Labcorp Genetics (formerly Invitae), Labcorp
Classification: Likely pathogenic for Charcot-Marie-Tooth disease dominant intermediate E; Focal segmental glomerulosclerosis 5. Last evaluated: 2023-11-10. Review status: criteria provided, single submitter. Criteria: Invitae Variant Classification Sherloc (09022015). Collection method: clinical testing. Allele origin: germline.
Comment: This sequence change replaces glycine, which is neutral and non-polar, with aspartic acid, which is acidic and polar, at codon 157 of the INF2 protein (p.Gly157Asp). This variant is not present in population databases (gnomAD no frequency). This missense change has been observed in individuals with focal segmental glomerulosclerosis (PMID: 34120753; Invitae). ClinVar contains an entry for this variant (Variation ID: 1518638). Advanced modeling of protein sequence and biophysical properties (such as structural, functional, and spatial information, amino acid conservation, physicochemical variation, residue mobility, and thermodynamic stability) performed at Invitae indicates that this missense variant is expected to disrupt INF2 protein function with a positive predictive value of 95%. In summary, the currently available evidence indicates that the variant is pathogenic, but additional data are needed to prove that conclusively. Therefore, this variant has been classified as Likely Pathogenic.

Literature cited by the submitters: PubMed 31308072 (cited by Dasa); PubMed 34120753 (cited by Dasa and Labcorp Genetics (formerly Invitae), Labcorp); PubMed 37491439 (cited by Dasa).

NM_022489.4(INF2):c.470G>A (p.Gly157Asp)

Gene: INF2 (inverted formin 2; plus strand). Cytogenetic location: 14q32.33.
Variant type: single nucleotide variant.
Coding change: c.470G>A on transcript NM_022489.4 (MANE Select); coding-DNA position 470, G replaced by A.
Protein change: p.Gly157Asp; replaces glycine 157 with aspartic acid.
Molecular consequence: missense variant.
Genome position (GRCh38, 1-based): chr14:104,703,183, G>A. VCF-style: chr14-104703183-G-A. GRCh37 (hg19) VCF-style: chr14-105169520-G-A.
Other names: c.470G>A, p.Gly157Asp (NM_001031714.4, NM_032714.3); short protein forms G157D.
Identifiers: ClinVar variation 1518638 (VCV001518638.10), dbSNP rs2140647207, ClinGen allele CA391212959.